The following is an entry in ClinVar:

ClinVar aggregate classification (germline): Benign/Likely benign (0 of 4 stars; one submission).

Submission:

GeneDx
Classification: Benign/Likely benign. Last evaluated: 2010-11-30. Review status: no assertion criteria provided. Collection method: clinical testing. Allele origin: not provided. Affected: yes. Observed: 3 variant alleles. Clinical features observed: Developmental delay AND/OR other significant developmental or morphological phenotypes.
Comment: Likely benign (1), Benign (2)

GRCh38/hg38 11q25(chr11:134287463-134337921)x3

Genes: GLB1L2 (galactosidase beta 1 like 2; plus strand), GLB1L3 (galactosidase beta 1 like 3; plus strand), LOC130007128 (ATAC-STARR-seq lymphoblastoid silent region 4098; plus strand). Cytogenetic location: 11q25.
Variant type: copy number gain.
Change: copy number 3 (three copies instead of two) of chr11:134,287,463-134,337,921 (50.5 kb, GRCh38 coordinates, 1-based), cytogenetic band 11q25.
Identifiers: ClinVar variation 145001 (VCV000145001.1).